The following is an entry in ClinVar:

NM_001378454.1(ALMS1):c.11278A>G (p.Thr3760Ala)

Gene: ALMS1 (ALMS1 centrosome and basal body associated protein; plus strand). Cytogenetic location: 2p13.1.
Variant type: single nucleotide variant.
Coding change: c.11278A>G on transcript NM_001378454.1 (MANE Select); coding-DNA position 11278, A replaced by G.
Protein change: p.Thr3760Ala; replaces threonine 3760 with alanine.
Molecular consequence: missense variant.
Genome position (GRCh38, 1-based): chr2:73,573,155, A>G. VCF-style: chr2-73573155-A-G. GRCh37 (hg19) VCF-style: chr2-73800282-A-G.
Other names: c.11281A>G, p.Thr3761Ala (NM_015120.4); short protein forms T3761A, T3760A.
Identifiers: ClinVar variation 1727280 (VCV001727280.2), dbSNP rs767695425, ClinGen allele CA1715151.

ClinVar aggregate classification (germline): Uncertain significance (1 of 4 stars; one submission).

Conditions:
Cardiovascular phenotype. Identifiers: MedGen CN230736.

Allele frequency attached by ClinVar (database versions not stated): gnomAD exomes below 0.00001; ExAC 0.00001.
gnomAD v4.1: 5 of 1,613,780 alleles (0.00031%); highest among the groups gnomAD compares: Non-Finnish European, 0.00042%; no homozygotes.

Submission:

Ambry Genetics
Classification: Uncertain significance for Cardiovascular phenotype. Last evaluated: 2022-04-05. Review status: criteria provided, single submitter. Criteria: Ambry Variant Classification Scheme 2023. Collection method: clinical testing. Allele origin: germline.
Comment: The p.T3761A variant (also known as c.11281A>G), located in coding exon 16 of the ALMS1 gene, results from an A to G substitution at nucleotide position 11281. The threonine at codon 3761 is replaced by alanine, an amino acid with similar properties. This amino acid position is poorly conserved in available vertebrate species. In addition, this alteration is predicted to be tolerated by in silico analysis. Since supporting evidence is limited at this time, the clinical significance of this alteration remains unclear.